The following is an entry in ClinVar:

ClinVar aggregate classification (germline): Uncertain significance (1 of 4 stars; one submission).

Submission:

Labcorp Genetics (formerly Invitae), Labcorp
Classification: Uncertain significance. Last evaluated: 2021-11-11. Review status: criteria provided, single submitter. Criteria: Invitae Variant Classification Sherloc (09022015). Collection method: clinical testing. Allele origin: germline.
Comment: This sequence change replaces threonine, which is neutral and polar, with alanine, which is neutral and non-polar, at codon 91 of the C17orf62 protein (p.Thr91Ala). This variant is not present in population databases (gnomAD no frequency). This variant has not been reported in the literature in individuals affected with C17orf62-related conditions. Algorithms developed to predict the effect of missense changes on protein structure and function (SIFT, PolyPhen-2, Align-GVGD) all suggest that this variant is likely to be disruptive. In summary, the available evidence is currently insufficient to determine the role of this variant in disease. Therefore, it has been classified as a Variant of Uncertain Significance.

NM_001033046.4(CYBC1):c.271A>G (p.Thr91Ala)

Gene: CYBC1 (cytochrome b-245 chaperone 1; minus strand). Cytogenetic location: 17q25.3.
Variant type: single nucleotide variant.
Coding change: c.271A>G on transcript NM_001033046.4 (MANE Select); coding-DNA position 271, A replaced by G.
Protein change: p.Thr91Ala; replaces threonine 91 with alanine.
Molecular consequence: missense variant. On other transcripts: non-coding transcript variant (4).
Genome position (GRCh38, 1-based): chr17:82,445,891, T>C on the plus strand (A>G on the coding strand, the complement: CYBC1 is on the minus strand). VCF-style: chr17-82445891-T-C. GRCh37 (hg19) VCF-style: chr17-80403767-T-C.
Other names: c.271A>G, p.Thr91Ala (NM_001100407.3, NM_001193653.2, NM_001193654.2 and 2 more transcripts); c.229A>G, p.Thr77Ala (NM_001100408.3); short protein forms T77A, T91A.
Identifiers: ClinVar variation 1682717 (VCV001682717.3), dbSNP rs2143713583, ClinGen allele CA401608856.